The following is an entry in ClinVar:

NM_000382.3(ALDH3A2):c.-154G>A

Gene: ALDH3A2 (aldehyde dehydrogenase 3 family member A2; plus strand). Cytogenetic location: 17p11.2.
Variant type: single nucleotide variant.
Coding change: c.-154G>A on transcript NM_000382.3 (MANE Select); 154 bases upstream of the start codon, G replaced by A.
Molecular consequence: 5 prime UTR variant. On other transcripts: intron variant (4).
Genome position (GRCh38, 1-based): chr17:19,648,818, G>A. VCF-style: chr17-19648818-G-A. GRCh37 (hg19) VCF-style: chr17-19552131-G-A.
Other names: c.-154G>A (NM_001031806.2); c.-63G>A (NM_001369136.1, NM_001369139.1); c.-725-117G>A (NM_001369148.2); c.-37-117G>A (NM_001369137.2, NM_001369138.2, NM_001369146.2).
Identifiers: ClinVar variation 322203 (VCV000322203.6), dbSNP rs562399103, ClinGen allele CA10639137.
Genomic context (GRCh38, chr17:19,648,818, plus strand): 5'-CCCCGGCGCCTCCGACTGGCAGTGGGACTCAGCGGGCGTGGAGGTCGCGGCTGAGCGAGC[G>A]AGCCCTGGGCGAGTGAATTGTGGCTGTGGGTTGACGGTGGAGACACCCCCCGGAGGGAGG-3'

ClinVar aggregate classification (germline): Benign. Review status: criteria provided, multiple submitters, no conflicts (2 of 4 stars). 2 submissions from 2 submitters: Benign (2). Last evaluated 2018-01-12.

Conditions:
Sjögren-Larsson syndrome (SLS). Also called: FALDH DEFICIENCY; FATTY ALCOHOL:NAD+ OXIDOREDUCTASE DEFICIENCY; FATTY ALDEHYDE DEHYDROGENASE DEFICIENCY; ICHTHYOSIS, SPASTIC NEUROLOGIC DISORDER, AND OLIGOPHRENIA. Identifiers: Orphanet 816, MedGen C0037231, MONDO:0010031, OMIM 270200.

Allele frequency attached by ClinVar (database versions not stated): gnomAD exomes 0.00080; TOPMed 0.00128; gnomAD 0.00136; 1000 Genomes Project 30x 0.00843; 1000 Genomes Project 0.00859.

Submissions (2):

Illumina Laboratory Services, Illumina
Classification: Benign for Sjögren-Larsson syndrome. Last evaluated: 2018-01-12. Review status: criteria provided, single submitter. Criteria: ICSL Variant Classification Criteria 13 December 2019. Collection method: clinical testing. Allele origin: germline.
Comment: This variant was observed in the ICSL laboratory as part of a predisposition screen in an ostensibly healthy population. It had not been previously curated by ICSL or reported in the Human Gene Mutation Database (HGMD: prior to June 1st, 2018), and was therefore a candidate for classification through an automated scoring system. Utilizing variant allele frequency, disease prevalence and penetrance estimates, and inheritance mode, an automated score was calculated to assess if this variant is too frequent to cause the disease. Based on the score and internal cut-off values, a variant classified as benign is not then subjected to further curation. The score for this variant resulted in a classification of benign for this disease.

Breakthrough Genomics
Classification: Benign. Review status: criteria provided, single submitter. Criteria: ACMG Guidelines, 2015. Collection method: not provided. Allele origin: germline. Inheritance: Autosomal recessive inheritance. Affected: yes.